The following is an entry in ClinVar:

NM_000321.3(RB1):c.733C>T (p.Pro245Ser)

Gene: RB1 (RB transcriptional corepressor 1; plus strand). Cytogenetic location: 13q14.2.
Variant type: single nucleotide variant.
Coding change: c.733C>T on transcript NM_000321.3 (MANE Select); coding-DNA position 733, C replaced by T.
Protein change: p.Pro245Ser; replaces proline 245 with serine.
Molecular consequence: missense variant.
Genome position (GRCh38, 1-based): chr13:48,362,829, C>T. VCF-style: chr13-48362829-C-T. GRCh37 (hg19) VCF-style: chr13-48936965-C-T.
Other names: short protein forms P245S.
Identifiers: ClinVar variation 950555 (VCV000950555.10), dbSNP rs1952655166, ClinGen allele CA388159258.
Genomic context (GRCh38, chr13:48,362,829, plus strand): 5'-TATGATGGATGTACAATTGTTCTTATCTAATTTACCACTTTTACAGAAACAGCTGTTATA[C>T]CCATTAATGGTTCACCTCGAACACCCAGGCGAGGTCAGAACAGGAGTGCACGGATAGCAA-3'
Protein context (NP_000312.2, residues 235-255): LKEPYKTAVI[Pro245Ser]INGSPRTPRR

ClinVar aggregate classification (germline): Uncertain significance. Review status: criteria provided, multiple submitters, no conflicts (2 of 4 stars). 2 submissions from 2 submitters: Uncertain significance (2). Last evaluated 2025-04-11.

Conditions:
Retinoblastoma (RB1). Also called: RETINOBLASTOMA, SOMATIC. Identifiers: Orphanet 790, MedGen C0035335, MeSH D012175, MONDO:0008380, OMIM 180200, HP:0009919. Disease mechanism: loss of function. Inheritance: Both sporadic and heritable forms are tested..
Malignant tumor of urinary bladder. Also called: Bladder cancer; Urinary Bladder Neoplasms; Urinary bladder cancer. Identifiers: MedGen C0005684, MONDO:0001187, OMIM 109800.

Submissions (2):

Labcorp Genetics (formerly Invitae), Labcorp
Classification: Uncertain significance for Retinoblastoma. Last evaluated: 2025-04-11. Review status: criteria provided, single submitter. Criteria: Invitae Variant Classification Sherloc (09022015). Collection method: clinical testing. Allele origin: germline.
Comment: This sequence change replaces proline, which is neutral and non-polar, with serine, which is neutral and polar, at codon 245 of the RB1 protein (p.Pro245Ser). This variant is not present in population databases (gnomAD no frequency). This variant has not been reported in the literature in individuals affected with RB1-related conditions. ClinVar contains an entry for this variant (Variation ID: 950555). Invitae Evidence Modeling of protein sequence and biophysical properties (such as structural, functional, and spatial information, amino acid conservation, physicochemical variation, residue mobility, and thermodynamic stability) indicates that this missense variant is not expected to disrupt RB1 protein function with a negative predictive value of 80%. In summary, the available evidence is currently insufficient to determine the role of this variant in disease. Therefore, it has been classified as a Variant of Uncertain Significance.

Baylor Genetics
Classification: Uncertain significance for Malignant tumor of urinary bladder. Last evaluated: 2023-12-05. Review status: criteria provided, single submitter. Criteria: ACMG Guidelines, 2015. Collection method: clinical testing. Allele origin: unknown.